The following is an entry in ClinVar:

NM_001127208.3(TET2):c.3583A>G (p.Ile1195Val)

Genes: TET2-AS1 (TET2 antisense RNA 1; minus strand), TET2 (tet methylcytosine dioxygenase 2; plus strand). Cytogenetic location: 4q24.
Variant type: single nucleotide variant.
Coding change: c.3583A>G on transcript NM_001127208.3 (MANE Select); coding-DNA position 3583, A replaced by G.
Protein change: p.Ile1195Val; replaces isoleucine 1195 with valine.
Molecular consequence: missense variant.
Genome position (GRCh38, 1-based): chr4:105,242,916, A>G. VCF-style: chr4-105242916-A-G. GRCh37 (hg19) VCF-style: chr4-106164073-A-G.
Other names: short protein forms I1195V.
Identifiers: ClinVar variation 2184873 (VCV002184873.5), dbSNP rs568009712, ClinGen allele CA3032105.

ClinVar aggregate classification (germline): Conflicting classifications of pathogenicity. Review status: criteria provided, conflicting classifications (1 of 4 stars). 2 submissions from 2 submitters: Uncertain significance (1); Likely benign (1). Last evaluated 2025-12-18.

Allele frequency attached by ClinVar (database versions not stated): TOPMed 0.00005; gnomAD 0.00015; gnomAD exomes 0.00023; 1000 Genomes Project 0.00040; ExAC 0.00087; 1000 Genomes Project 30x 0.00094.
gnomAD v4.1: 355 of 1,551,178 alleles (0.023%); highest among the groups gnomAD compares: South Asian, 0.39%; 6 homozygotes.

Submissions (2):

Labcorp Genetics (formerly Invitae), Labcorp
Classification: Likely benign. Last evaluated: 2025-12-18. Review status: criteria provided, single submitter. Criteria: Invitae Variant Classification Sherloc (09022015). Collection method: clinical testing. Allele origin: germline.

GeneDx
Classification: Uncertain significance. Last evaluated: 2023-06-16. Review status: criteria provided, single submitter. Criteria: GeneDx Variant Classification Process June 2021. Collection method: clinical testing. Allele origin: germline. Affected: yes.
Comment: In silico analysis supports that this missense variant does not alter protein structure/function; Has not been previously reported as a pathogenic or benign germline variant to our knowledge; This variant is associated with the following publications: (PMID: 31187595, 20693430, 23760614, 31230491)